The following is an entry in ClinVar:

ClinVar aggregate classification (germline): Pathogenic. Review status: criteria provided, multiple submitters, no conflicts (2 of 4 stars). 3 submissions from 3 submitters: Pathogenic (3). Last evaluated 2025-02-26.

Conditions:
Hyperlipoproteinemia, type I. Also called: Hyperlipoproteinemia type 1; Hyperchylomicro-nemia familial; Familial chylomicronemia; Hyperlipemia idiopathic Burger-Grutz type; Familial hyperlipo-proteinemia type 1; Hyperlipemia essential familial. Identifiers: Orphanet 309015, Orphanet 444490, MedGen C0023817, MONDO:0009387, OMIM 238600. Disease mechanism: loss of function.

Submissions (3):

Natera, Inc.
Classification: Pathogenic for Lipoprotein lipase deficiency. Last evaluated: 2025-02-26. Review status: criteria provided, single submitter. Criteria: Natera Variant Classification Schema (03/2026). Collection method: clinical testing. Allele origin: germline.
Comment: The c.765_766delAG variant in LPL is a frameshift variant predicted to shift the reading frame beginning at codon 256 and leads to a stop codon 26 codons downstream. This variant is expected to result in nonsense mediated decay, truncation, or a dysfunctional protein product. This variant is rare in the general population with a frequency below the threshold expected for the associated phenotype(s). This variant has been observed in one or more individuals affected with the associated recessive disease, as either homozygous or compound heterozygous with a second variant (PMID: 27578112). Additionally, this variant has been observed to segregate in affected family members (PMID: 27578112). Functional studies show that this variant may disrupt protein function (PMID: 27578112). Given the available evidence, this variant is classified as Pathogenic.

Labcorp Genetics (formerly Invitae), Labcorp
Classification: Pathogenic. Last evaluated: 2025-01-06. Review status: criteria provided, single submitter. Criteria: Invitae Variant Classification Sherloc (09022015). Collection method: clinical testing. Allele origin: germline.
Comment: This sequence change creates a premature translational stop signal (p.Gly256Thrfs*26) in the LPL gene. It is expected to result in an absent or disrupted protein product. Loss-of-function variants in LPL are known to be pathogenic (PMID: 11334614). This variant is not present in population databases (gnomAD no frequency). This premature translational stop signal has been observed in individual(s) with LPL-related conditions (PMID: 27578112). For these reasons, this variant has been classified as Pathogenic.

Genetics Laboratory, Department of Biology, Semnan University
Classification: Pathogenic for Hyperlipoproteinemia, type I. Last evaluated: 2016-09-21. Review status: criteria provided, single submitter. Criteria: ACMG Guidelines, 2015. Collection method: case-control. Allele origin: inherited. Inheritance: Autosomal recessive inheritance. Affected: yes. Observed: 1 variant allele, 1 homozygote.
Comment: The WES revealed a deleterious mutation NM_000237 exon5 c.759-760delAG in the LPL gene. Our review of public databases and the local population database did not identify any previous reports of this mutation. The mutation found was predicted to be disease-causing by in silico approaches. Genotype-phenotype correlation analysis matched the observed phenotypes in proband (patient) with the mutation found in the LPL gene. Moreover, Sanger sequencing confirmed the existence of the identified mutation and segregated with the autosomal recessive inheritance pattern of Mendelian disorders.

Literature cited by the submitters: PubMed 27578112 (cited by Natera, Inc. and Labcorp Genetics (formerly Invitae), Labcorp); PubMed 11334614 (cited by Labcorp Genetics (formerly Invitae), Labcorp).

NM_000237.3(LPL):c.765_766del (p.Gly256fs)

Gene: LPL (lipoprotein lipase; plus strand). Cytogenetic location: 8p21.3.
Variant type: Microsatellite.
Coding change: c.765_766del on transcript NM_000237.3 (MANE Select); coding-DNA positions 765 to 766, 2 bases deleted (AG; older notation c.765_766delAG).
Protein change: p.Gly256fs; shifts the reading frame from glycine 256.
Molecular consequence: frameshift variant.
Genome position (GRCh38, 1-based): chr8:19,954,343-19,954,344, AG deleted; deleting any 2 consecutive bases within chr8:19,954,337-19,954,344 gives the same sequence; the c. name uses the placement nearest the transcript's 3' end. VCF-style (leftmost placement, unchanged base first): chr8-19954336-CAG-C. GRCh37 (hg19) VCF-style: chr8-19811847-CAG-C.
Other names: c.765_766delAG (NM_000237.2); c.759_760del (NM_000237.3); short protein forms G256fs.
Identifiers: ClinVar variation 995957 (VCV000995957.9), dbSNP rs1563575291, ClinGen allele CA2579105850.